The following is an entry in ClinVar:

NM_000327.4(ROM1):c.950A>G (p.Asp317Gly)

Gene: ROM1 (retinal outer segment membrane protein 1; plus strand). Cytogenetic location: 11q12.3.
Variant type: single nucleotide variant.
Coding change: c.950A>G on transcript NM_000327.4 (MANE Select); coding-DNA position 950, A replaced by G.
Protein change: p.Asp317Gly; replaces aspartic acid 317 with glycine.
Molecular consequence: missense variant.
Genome position (GRCh38, 1-based): chr11:62,614,733, A>G. VCF-style: chr11-62614733-A-G. GRCh37 (hg19) VCF-style: chr11-62382205-A-G.
Other names: short protein forms D317G.
Identifiers: ClinVar variation 879756 (VCV000879756.14), dbSNP rs199827702, ClinGen allele CA6049885.

ClinVar aggregate classification (germline): Uncertain significance. Review status: criteria provided, multiple submitters, no conflicts (2 of 4 stars). 3 submissions from 3 submitters: Uncertain significance (3). Last evaluated 2025-06-27.

Conditions:
Retinitis pigmentosa (RP). Identifiers: Orphanet 791, MedGen C0035334, MeSH D012174, MONDO:0019200, OMIM 268000. Inheritance: Autosomal dominant, autosomal recessive and X linked inheritance.

Allele frequency attached by ClinVar (database versions not stated): ExAC 0.00002; gnomAD exomes 0.00003 and 0.00008; gnomAD 0.00005 and 0.00006; TOPMed 0.00007; ESP Exome Variant Server 0.00015.

Submissions (3):

Labcorp Genetics (formerly Invitae), Labcorp
Classification: Uncertain significance. Last evaluated: 2025-06-27. Review status: criteria provided, single submitter. Criteria: Invitae Variant Classification Sherloc (09022015). Collection method: clinical testing. Allele origin: germline.
Comment: This sequence change replaces aspartic acid, which is acidic and polar, with glycine, which is neutral and non-polar, at codon 317 of the ROM1 protein (p.Asp317Gly). This variant is present in population databases (rs199827702, gnomAD 0.007%). This variant has not been reported in the literature in individuals affected with ROM1-related conditions. ClinVar contains an entry for this variant (Variation ID: 879756). Invitae Evidence Modeling of protein sequence and biophysical properties (such as structural, functional, and spatial information, amino acid conservation, physicochemical variation, residue mobility, and thermodynamic stability) indicates that this missense variant is not expected to disrupt ROM1 protein function with a negative predictive value of 80%. Algorithms developed to predict the effect of sequence changes on RNA splicing suggest that this variant may create or strengthen a splice site. In summary, the available evidence is currently insufficient to determine the role of this variant in disease. Therefore, it has been classified as a Variant of Uncertain Significance.

Blueprint Genetics
Classification: Uncertain significance. Last evaluated: 2024-02-27. Review status: criteria provided, single submitter. Criteria: ACMG Guidelines, 2015. Collection method: clinical testing. Allele origin: germline.

Illumina Laboratory Services, Illumina
Classification: Uncertain significance for Retinitis pigmentosa. Last evaluated: 2018-01-13. Review status: criteria provided, single submitter. Criteria: ICSL Variant Classification Criteria 13 December 2019. Collection method: clinical testing. Allele origin: germline.